The following is an entry in ClinVar:

ClinVar aggregate classification (germline): Uncertain significance (1 of 4 stars; one submission).

Allele frequency attached by ClinVar (database versions not stated): TOPMed 0.00001; gnomAD 0.00002; ExAC 0.00003.
gnomAD v4.1: 41 of 1,614,120 alleles (0.0025%); highest among the groups gnomAD compares: South Asian, 0.016%; no homozygotes.

Submission:

Labcorp Genetics (formerly Invitae), Labcorp
Classification: Uncertain significance. Last evaluated: 2022-02-14. Review status: criteria provided, single submitter. Criteria: Invitae Variant Classification Sherloc (09022015). Collection method: clinical testing. Allele origin: germline.
Comment: This sequence change replaces arginine, which is basic and polar, with histidine, which is basic and polar, at codon 153 of the FASTKD2 protein (p.Arg153His). This variant is present in population databases (rs752946004, gnomAD 0.02%). This variant has not been reported in the literature in individuals affected with FASTKD2-related conditions. Algorithms developed to predict the effect of missense changes on protein structure and function (SIFT, PolyPhen-2, Align-GVGD) all suggest that this variant is likely to be tolerated. In summary, the available evidence is currently insufficient to determine the role of this variant in disease. Therefore, it has been classified as a Variant of Uncertain Significance.

NM_001136193.2(FASTKD2):c.458G>A (p.Arg153His)

Gene: FASTKD2 (FAST kinase domains 2; plus strand). Cytogenetic location: 2q33.3.
Variant type: single nucleotide variant.
Coding change: c.458G>A on transcript NM_001136193.2 (MANE Select); coding-DNA position 458, G replaced by A.
Protein change: p.Arg153His; replaces arginine 153 with histidine.
Molecular consequence: missense variant.
Genome position (GRCh38, 1-based): chr2:206,767,151, G>A. VCF-style: chr2-206767151-G-A. GRCh37 (hg19) VCF-style: chr2-207631875-G-A.
Other names: c.458G>A, p.Arg153His (NM_001136194.2, NM_014929.4); short protein forms R153H.
Identifiers: ClinVar variation 1897290 (VCV001897290.2), dbSNP rs752946004, ClinGen allele CA2074884.